The following is an entry in ClinVar:

NM_001005361.3(DNM2):c.448C>T (p.Pro150Ser)

Gene: DNM2 (dynamin 2; plus strand). Cytogenetic location: 19p13.2.
Variant type: single nucleotide variant.
Coding change: c.448C>T on transcript NM_001005361.3 (MANE Select); coding-DNA position 448, C replaced by T.
Protein change: p.Pro150Ser; replaces proline 150 with serine.
Molecular consequence: missense variant.
Genome position (GRCh38, 1-based): chr19:10,775,765, C>T. VCF-style: chr19-10775765-C-T. GRCh37 (hg19) VCF-style: chr19-10886441-C-T.
Other names: c.448C>T, p.Pro150Ser (NM_001005360.3, NM_001005362.3, NM_001190716.2 and 1 more transcripts); short protein forms P150S.
Identifiers: ClinVar variation 963183 (VCV000963183.9), dbSNP rs2071133001, ClinGen allele CA404042575.

ClinVar aggregate classification (germline): Uncertain significance (1 of 4 stars; one submission).

Conditions:
Charcot-Marie-Tooth disease dominant intermediate B (CMTDIB). Also called: CHARCOT-MARIE-TOOTH NEUROPATHY, DOMINANT INTERMEDIATE B; Charcot-Marie-Tooth disease dominant intermediate 1; CMT DI1; Charcot-Marie-Tooth disease dominant intermediate I. Identifiers: Orphanet 100044, Orphanet 228179, MedGen C1847902, MONDO:0011674, OMIM 606482.

Submission:

Labcorp Genetics (formerly Invitae), Labcorp
Classification: Uncertain significance for Charcot-Marie-Tooth disease dominant intermediate B. Last evaluated: 2019-09-07. Review status: criteria provided, single submitter. Criteria: Invitae Variant Classification Sherloc (09022015). Collection method: clinical testing. Allele origin: germline.
Comment: This variant has not been reported in the literature in individuals with DNM2-related conditions. This variant is not present in population databases (ExAC no frequency). This sequence change replaces proline with serine at codon 150 of the DNM2 protein (p.Pro150Ser). The proline residue is weakly conserved and there is a moderate physicochemical difference between proline and serine. Algorithms developed to predict the effect of missense changes on protein structure and function (SIFT, PolyPhen-2, Align-GVGD) all suggest that this variant is likely to be tolerated, but these predictions have not been confirmed by published functional studies and their clinical significance is uncertain. In summary, the available evidence is currently insufficient to determine the role of this variant in disease. Therefore, it has been classified as a Variant of Uncertain Significance.